The following is an entry in ClinVar:

ClinVar aggregate classification (germline): Benign (1 of 4 stars; one submission).

Conditions:
Familial cancer of breast. Also called: Hereditary breast cancer; hereditary breast carcinoma; BREAST CANCER, FAMILIAL. Identifiers: Orphanet 227535, MedGen C0346153, MONDO:0016419, OMIM 114480. Disease mechanism: loss of function.

Submission:

Myriad Genetics, Inc.
Classification: Benign for Familial cancer of breast. Last evaluated: 2025-01-14. Review status: criteria provided, single submitter. Criteria: Myriad Autosomal Dominant, Autosomal Recessive and X-Linked Classification Criteria (2023). Collection method: clinical testing. Allele origin: unknown.
Comment: This variant is considered benign. This variant is a silent/synonymous amino acid change and it is not expected to impact splicing.

NM_024675.4(PALB2):c.1533A>G (p.Arg511=)

Gene: PALB2 (partner and localizer of BRCA2; minus strand). Cytogenetic location: 16p12.2.
Variant type: single nucleotide variant.
Coding change: c.1533A>G on transcript NM_024675.4 (MANE Select); coding-DNA position 1533, A replaced by G.
Protein change: p.Arg511=; no amino-acid change (arginine 511 retained).
Molecular consequence: synonymous variant. On other transcripts: intron variant (3).
Genome position (GRCh38, 1-based): chr16:23,635,013, T>C on the plus strand (A>G on the coding strand, the complement: PALB2 is on the minus strand). VCF-style: chr16-23635013-T-C. GRCh37 (hg19) VCF-style: chr16-23646334-T-C.
Other names: c.1473A>G, p.Arg491= (NM_001407296.1); c.1533A>G, p.Arg511= (NM_001407297.1, NM_001407298.1, NM_001407299.1 and 3 more transcripts); c.648A>G, p.Arg216= (NM_001407304.1, NM_001407305.1, NM_001407306.1 and 5 more transcripts); c.49-5738A>G (NM_001407314.1); c.-104-4544A>G (NM_001407313.1, NM_001407312.1).
Identifiers: ClinVar variation 3903863 (VCV003903863.1).